The following is an entry in ClinVar:

NM_000243.3(MEFV):c.910+7T>G

Gene: MEFV (MEFV innate immunity regulator, pyrin; minus strand). Cytogenetic location: 16p13.3.
Variant type: single nucleotide variant.
Coding change: c.910+7T>G on transcript NM_000243.3 (MANE Select); 7 bases into the intron after coding-DNA position 910, T replaced by G.
Molecular consequence: intron variant.
Genome position (GRCh38, 1-based): chr16:3,254,151, A>C on the plus strand (T>G on the coding strand, the complement: MEFV is on the minus strand). VCF-style: chr16-3254151-A-C. GRCh37 (hg19) VCF-style: chr16-3304151-A-C.
Other names: c.277+2160T>G (NM_001198536.2).
Identifiers: ClinVar variation 3051794 (VCV003051794.2), dbSNP rs2543155439, ClinGen allele CA2740096866.

ClinVar aggregate classification (germline): Likely benign (0 of 4 stars; one submission).

Conditions:
MEFV-related disorder. Also called: MEFV-related disorders; MEFV-related condition.

Submission:

PreventionGenetics, part of Exact Sciences
Classification: Likely benign for MEFV-related condition. Last evaluated: 2020-01-31. Review status: no assertion criteria provided. Collection method: clinical testing. Allele origin: germline.
Comment: This variant is classified as likely benign based on ACMG/AMP sequence variant interpretation guidelines (Richards et al. 2015 PMID: 25741868, with internal and published modifications).